The following is an entry in ClinVar:

NM_001378454.1(ALMS1):c.12121C>T (p.Leu4041Phe)

Genes: ALMS1 (ALMS1 centrosome and basal body associated protein; plus strand), LOC126806252 (BRD4-independent group 4 enhancer GRCh37_chr2:73828496-73829695; plus strand). Cytogenetic location: 2p13.1.
Variant type: single nucleotide variant.
Coding change: c.12121C>T on transcript NM_001378454.1 (MANE Select); coding-DNA position 12121, C replaced by T.
Protein change: p.Leu4041Phe; replaces leucine 4041 with phenylalanine.
Molecular consequence: missense variant.
Genome position (GRCh38, 1-based): chr2:73,602,191, C>T. VCF-style: chr2-73602191-C-T. GRCh37 (hg19) VCF-style: chr2-73829318-C-T.
Other names: c.12124C>T, p.Leu4042Phe (NM_015120.4); short protein forms L4041F, L4042F.
Identifiers: ClinVar variation 1413413 (VCV001413413.6), dbSNP rs1313847991, ClinGen allele CA347267641.
Genomic context (GRCh38, chr2:73,602,191, plus strand): 5'-TAGATTGCATCATTAATCTGAGGCTGGGCATTTTCTCTTTTTTTTTTCTTTTAGGAATCG[C>T]TTCAGTTTCACAGACCTGACTTCATCTCCCGCTCTGGGGAGCGGATAAAGCGCCTGAAGT-3'
Protein context (NP_001365383.1, residues 4031-4051): PFVRATLQES[Leu4041Phe]QFHRPDFISR

ClinVar aggregate classification (germline): Uncertain significance (1 of 4 stars; one submission).

Conditions:
Alstrom syndrome (ALMS). Identifiers: Orphanet 64, MedGen C0268425, MONDO:0008763, OMIM 203800.

Submission:

Labcorp Genetics (formerly Invitae), Labcorp
Classification: Uncertain significance for Alstrom syndrome. Last evaluated: 2021-08-26. Review status: criteria provided, single submitter. Criteria: Invitae Variant Classification Sherloc (09022015). Collection method: clinical testing. Allele origin: germline.
Comment: This sequence change replaces leucine with phenylalanine at codon 4042 of the ALMS1 protein (p.Leu4042Phe). The leucine residue is highly conserved and there is a small physicochemical difference between leucine and phenylalanine. In summary, the available evidence is currently insufficient to determine the role of this variant in disease. Therefore, it has been classified as a Variant of Uncertain Significance. Experimental studies and prediction algorithms are not available or were not evaluated, and the functional significance of this variant is currently unknown. This variant has not been reported in the literature in individuals affected with ALMS1-related conditions. This variant is not present in population databases (ExAC no frequency).